The following is an entry in ClinVar:

ClinVar aggregate classification (germline): Uncertain significance (1 of 4 stars; one submission).

Allele frequency attached by ClinVar (database versions not stated): TOPMed below 0.00001; gnomAD exomes 0.00003; ExAC 0.00007.
gnomAD v4.1: 17 of 1,612,120 alleles (0.0011%); highest among the groups gnomAD compares: Non-Finnish European, 0.0014%; no homozygotes.

Submission:

Labcorp Genetics (formerly Invitae), Labcorp
Classification: Uncertain significance. Last evaluated: 2023-06-24. Review status: criteria provided, single submitter. Criteria: Invitae Variant Classification Sherloc (09022015). Collection method: clinical testing. Allele origin: germline.
Comment: This variant has not been reported in the literature in individuals affected with BICC1-related conditions. In summary, the available evidence is currently insufficient to determine the role of this variant in disease. Therefore, it has been classified as a Variant of Uncertain Significance. An algorithm developed to predict the effect of missense changes on protein structure and function (PolyPhen-2) suggests that this variant is likely to be disruptive. This variant is present in population databases (rs749430284, gnomAD 0.008%). This sequence change replaces leucine, which is neutral and non-polar, with methionine, which is neutral and non-polar, at codon 912 of the BICC1 protein (p.Leu912Met).

NM_001080512.3(BICC1):c.2734C>A (p.Leu912Met)

Gene: BICC1 (BicC family RNA binding protein 1; plus strand). Cytogenetic location: 10q21.1.
Variant type: single nucleotide variant.
Coding change: c.2734C>A on transcript NM_001080512.3 (MANE Select); coding-DNA position 2734, C replaced by A.
Protein change: p.Leu912Met; replaces leucine 912 with methionine.
Molecular consequence: missense variant.
Genome position (GRCh38, 1-based): chr10:58,820,408, C>A. VCF-style: chr10-58820408-C-A. GRCh37 (hg19) VCF-style: chr10-60580168-C-A.
Other names: short protein forms L912M.
Identifiers: ClinVar variation 3001977 (VCV003001977.3), dbSNP rs749430284, ClinGen allele CA5508894.